The following is an entry in ClinVar:

NC_000011.9:g.(?_71906295)_(71907221_?)del

Gene: FOLR1 (folate receptor alpha; plus strand). Cytogenetic location: 11q13.4.
Variant type: Deletion.
Identifiers: ClinVar variation 3244663 (VCV003244663.1).

ClinVar aggregate classification (germline): Pathogenic (1 of 4 stars; one submission).

Conditions:
Cerebral folate transport deficiency. Also called: NEURODEGENERATION DUE TO CEREBRAL FOLATE TRANSPORT DEFICIENCY; Cerebral folate deficiency syndrome; FOLATE RECEPTOR DEFICIENCY; Neurodegenerative syndrome due to cerebral folate transport deficiency; FOLR1-Related Cerebral Folate Transport Deficiency. Identifiers: Orphanet 217382, MedGen C2751584, MONDO:0013110, OMIM 613068. Disease mechanism: loss of function.

Submission:

Labcorp Genetics (formerly Invitae), Labcorp
Classification: Pathogenic for Cerebral folate transport deficiency. Last evaluated: 2023-12-12. Review status: criteria provided, single submitter. Criteria: Invitae Variant Classification Sherloc (09022015). Collection method: clinical testing. Allele origin: unknown.
Comment: This variant is a gross deletion of the genomic region encompassing exon(s) 3-5 of the FOLR1 gene, which includes the termination codon. This deletion extends beyond the assayed region for this gene and therefore may encompass additional genes. While this deletion is not anticipated to lead to nonsense mediated decay, it is expected to alter mRNA translation or result in a truncated protein product. This variant has not been reported in the literature in individuals affected with FOLR1-related conditions. This variant disrupts a region of the FOLR1 protein in which other variant(s) (p.Arg204*) have been determined to be pathogenic (PMID: 21752681, 24556562). This suggests that this is a clinically significant region of the protein, and that variants that disrupt it are likely to be disease-causing. For these reasons, this variant has been classified as Pathogenic.

Literature cited by the submitters: PubMed 21752681; PubMed 24556562.